The following is an entry in ClinVar:

NM_004994.3(MMP9):c.2107C>A (p.Gln703Lys)

Genes: MMP9 (matrix metallopeptidase 9; plus strand), SLC12A5-AS1 (SLC12A5 and MMP9 antisense RNA 1; minus strand). Cytogenetic location: 20q13.12.
Variant type: single nucleotide variant.
Coding change: c.2107C>A on transcript NM_004994.3 (MANE Select); coding-DNA position 2107, C replaced by A.
Protein change: p.Gln703Lys; replaces glutamine 703 with lysine.
Molecular consequence: missense variant.
Genome position (GRCh38, 1-based): chr20:46,016,351, C>A. VCF-style: chr20-46016351-C-A. GRCh37 (hg19) VCF-style: chr20-44644990-C-A.
Other names: c.2107C>A (NM_004994.2); short protein forms Q703K.
Identifiers: ClinVar variation 2190412 (VCV002190412.5), dbSNP rs199677423, ClinGen allele CA9886901.

ClinVar aggregate classification (germline): Uncertain significance. Review status: criteria provided, multiple submitters, no conflicts (2 of 4 stars). 2 submissions from 2 submitters: Uncertain significance (2). Last evaluated 2024-11-06.

Allele frequency attached by ClinVar (database versions not stated): ExAC 0.00001; gnomAD 0.00003; gnomAD exomes 0.00003.
gnomAD v4.1: 54 of 1,613,832 alleles (0.0033%); highest among the groups gnomAD compares: Non-Finnish European, 0.0043%; no homozygotes.

Submissions (2):

Labcorp Genetics (formerly Invitae), Labcorp
Classification: Uncertain significance. Last evaluated: 2024-11-06. Review status: criteria provided, single submitter. Criteria: Invitae Variant Classification Sherloc (09022015). Collection method: clinical testing. Allele origin: germline.
Comment: This sequence change replaces glutamine, which is neutral and polar, with lysine, which is basic and polar, at codon 703 of the MMP9 protein (p.Gln703Lys). This variant is present in population databases (rs199677423, gnomAD 0.003%). This variant has not been reported in the literature in individuals affected with MMP9-related conditions. ClinVar contains an entry for this variant (Variation ID: 2190412). Invitae Evidence Modeling of protein sequence and biophysical properties (such as structural, functional, and spatial information, amino acid conservation, physicochemical variation, residue mobility, and thermodynamic stability) indicates that this missense variant is not expected to disrupt MMP9 protein function with a negative predictive value of 80%. In summary, the available evidence is currently insufficient to determine the role of this variant in disease. Therefore, it has been classified as a Variant of Uncertain Significance.

Ambry Genetics
Classification: Uncertain significance. Last evaluated: 2024-04-23. Review status: criteria provided, single submitter. Criteria: Ambry Variant Classification Scheme 2023. Collection method: clinical testing. Allele origin: germline.